The following is an entry in ClinVar:

ClinVar aggregate classification (germline): Uncertain significance (1 of 4 stars; one submission).

Conditions:
Autoimmune lymphoproliferative syndrome type 1. Also called: AUTOIMMUNE LYMPHOPROLIFERATIVE SYNDROME, TYPE I, AUTOSOMAL DOMINANT. Identifiers: Orphanet 3261, MedGen C2717884, MONDO:0011158, OMIM 601859.

Submission:

Labcorp Genetics (formerly Invitae), Labcorp
Classification: Uncertain significance for Autoimmune lymphoproliferative syndrome. Last evaluated: 2025-12-01. Review status: criteria provided, single submitter. Criteria: Invitae Variant Classification Sherloc (09022015). Collection method: clinical testing. Allele origin: germline.
Comment: This sequence change replaces glycine, which is neutral and non-polar, with glutamic acid, which is acidic and polar, at codon 110 of the FAS protein (p.Gly110Glu). This variant is not present in population databases (gnomAD no frequency). This variant has not been reported in the literature in individuals affected with FAS-related conditions. Invitae Evidence Modeling of protein sequence and biophysical properties (such as structural, functional, and spatial information, amino acid conservation, physicochemical variation, residue mobility, and thermodynamic stability) indicates that this missense variant is not expected to disrupt FAS protein function with a negative predictive value of 80%. In summary, the available evidence is currently insufficient to determine the role of this variant in disease. Therefore, it has been classified as a Variant of Uncertain Significance.

NM_000043.6(FAS):c.329G>A (p.Gly110Glu)

Gene: FAS (Fas cell surface death receptor; plus strand). Cytogenetic location: 10q23.31.
Variant type: single nucleotide variant.
Coding change: c.329G>A on transcript NM_000043.6 (MANE Select); coding-DNA position 329, G replaced by A.
Protein change: p.Gly110Glu; replaces glycine 110 with glutamic acid.
Molecular consequence: missense variant. On other transcripts: non-coding transcript variant (4).
Genome position (GRCh38, 1-based): chr10:89,007,832, G>A. VCF-style: chr10-89007832-G-A. GRCh37 (hg19) VCF-style: chr10-90767589-G-A.
Other names: c.329G>A, p.Gly110Glu (NM_001320619.2, NM_152871.4, NM_152872.4); c.374G>A, p.Gly125Glu (NM_001410956.1); short protein forms G110E, G125E.
Identifiers: ClinVar variation 4768699 (VCV004768699.1).
Genomic context (GRCh38, chr10:89,007,832, plus strand): 5'-AGTACACAGACAAAGCCCATTTTTCTTCCAAATGCAGAAGATGTAGATTGTGTGATGAAG[G>A]ACATGGTAAGAGTCTTAAAATGCAATTGAAAGAGGCCAATCTTGGAATTTCATGTAGAAC-3'
Protein context (NP_000034.1, residues 100-120): KCRRCRLCDE[Gly110Glu]HGLEVEINCT